The following is an entry in ClinVar:

ClinVar aggregate classification (germline): Uncertain significance (0 of 4 stars; one submission).

Allele frequency attached by ClinVar (database versions not stated): gnomAD exomes 0.00013; gnomAD 0.00017; TOPMed 0.00019.
gnomAD v4.1: 489 of 1,288,992 alleles (0.038%); highest among the groups gnomAD compares: Non-Finnish European, 0.048%; no homozygotes.

Submission:

Martin Pollak Laboratory,  Beth Israel Deaconess Medical Center
Classification: Uncertain significance. Review status: no assertion criteria provided. Collection method: not provided. Allele origin: unknown.
Comment: Lower UCa2+ group
ClinVar note: Converted during submission from unknown to Uncertain significance.

NM_001096.3(ACLY):c.-67C>T

Gene: ACLY (ATP citrate lyase; minus strand). Cytogenetic location: 17q21.2.
Variant type: single nucleotide variant.
Coding change: c.-67C>T on transcript NM_001096.3 (MANE Select); 67 bases upstream of the start codon, C replaced by T.
Molecular consequence: 5 prime UTR variant. On other transcripts: missense variant (2).
Genome position (GRCh38, 1-based): chr17:41,918,923, G>A on the plus strand (C>T on the coding strand, the complement: ACLY is on the minus strand). VCF-style: chr17-41918923-G-A. GRCh37 (hg19) VCF-style: chr17-40075176-G-A.
Other names: c.92C>T, p.Ser31Leu (NM_001303274.1, NM_001303275.1); c.-67C>T (NM_198830.2); short protein forms S31L.
Identifiers: ClinVar variation 64465 (VCV000064465.2), dbSNP rs387907380, ClinGen allele CA216205.